The following is an entry in ClinVar:

NM_017780.4(CHD7):c.674C>T (p.Pro225Leu)

Gene: CHD7 (chromodomain helicase DNA binding protein 7; plus strand). Cytogenetic location: 8q12.2.
Variant type: single nucleotide variant.
Coding change: c.674C>T on transcript NM_017780.4 (MANE Select); coding-DNA position 674, C replaced by T.
Protein change: p.Pro225Leu; replaces proline 225 with leucine.
Molecular consequence: missense variant.
Genome position (GRCh38, 1-based): chr8:60,742,106, C>T. VCF-style: chr8-60742106-C-T. GRCh37 (hg19) VCF-style: chr8-61654665-C-T.
Other names: c.674C>T (NM_017780.3); c.674C>T, p.Pro225Leu (NM_001316690.1); short protein forms P225L.
Identifiers: ClinVar variation 3682958 (VCV003682958.3).

ClinVar aggregate classification (germline): Uncertain significance. Review status: criteria provided, multiple submitters, no conflicts (2 of 4 stars). 2 submissions from 2 submitters: Uncertain significance (2). Last evaluated 2026-06-15.

Conditions:
Inborn genetic diseases. Identifiers: MedGen C0950123, MeSH D030342.
CHARGE syndrome (CHARGE). Also called: Hittner Hirsch Kreh syndrome; CHARGE ASSOCIATION--COLOBOMA, HEART ANOMALY, CHOANAL ATRESIA, RETARDATION, GENITAL AND EAR ANOMALIES; Coloboma, heart anomaly, choanal atresia, retardation, genital and ear anomalies; CHARGE association; Hall-Hittner syndrome. Identifiers: Orphanet 138, MedGen C0265354, MONDO:0008965.

Submissions (2):

Ambry Genetics
Classification: Uncertain significance for Inborn genetic diseases. Last evaluated: 2026-06-15. Review status: criteria provided, single submitter. Criteria: Ambry Variant Classification Scheme 2023. Collection method: clinical testing. Allele origin: germline.

Labcorp Genetics (formerly Invitae), Labcorp
Classification: Uncertain significance for CHARGE syndrome. Last evaluated: 2024-09-19. Review status: criteria provided, single submitter. Criteria: Invitae Variant Classification Sherloc (09022015). Collection method: clinical testing. Allele origin: germline.
Comment: This sequence change replaces proline, which is neutral and non-polar, with leucine, which is neutral and non-polar, at codon 225 of the CHD7 protein (p.Pro225Leu). This variant is not present in population databases (gnomAD no frequency). This variant has not been reported in the literature in individuals affected with CHD7-related conditions. Invitae Evidence Modeling of protein sequence and biophysical properties (such as structural, functional, and spatial information, amino acid conservation, physicochemical variation, residue mobility, and thermodynamic stability) indicates that this missense variant is not expected to disrupt CHD7 protein function with a negative predictive value of 95%. In summary, the available evidence is currently insufficient to determine the role of this variant in disease. Therefore, it has been classified as a Variant of Uncertain Significance.